The following is an entry in ClinVar:

ClinVar aggregate classification (germline): Uncertain significance. Review status: criteria provided, multiple submitters, no conflicts (2 of 4 stars). 2 submissions from 2 submitters: Uncertain significance (2). Last evaluated 2025-09-08.

Conditions:
Inborn genetic diseases. Identifiers: MedGen C0950123, MeSH D030342.
Joubert syndrome. Also called: CEREBELLOPARENCHYMAL DISORDER IV; JOUBERT-BOLTSHAUSER SYNDROME; Familial aplasia of the vermis. Identifiers: Orphanet 475, MedGen C5979921, MONDO:0018772.

Allele frequency attached by ClinVar (database versions not stated): gnomAD exomes 0.00001; gnomAD 0.00003.

Submissions (2):

Labcorp Genetics (formerly Invitae), Labcorp
Classification: Uncertain significance for Joubert syndrome. Last evaluated: 2025-09-08. Review status: criteria provided, single submitter. Criteria: Invitae Variant Classification Sherloc (09022015). Collection method: clinical testing. Allele origin: germline.
Comment: This sequence change replaces valine, which is neutral and non-polar, with isoleucine, which is neutral and non-polar, at codon 113 of the TMEM216 protein (p.Val113Ile). This variant is present in population databases (no rsID available, gnomAD 0.01%). This variant has not been reported in the literature in individuals affected with TMEM216-related conditions. ClinVar contains an entry for this variant (Variation ID: 2148941). An algorithm developed to predict the effect of missense changes on protein structure and function outputs the following: PolyPhen-2: "Benign". The isoleucine amino acid residue is found in multiple mammalian species, which suggests that this missense change does not adversely affect protein function. In summary, the available evidence is currently insufficient to determine the role of this variant in disease. Therefore, it has been classified as a Variant of Uncertain Significance.

Ambry Genetics
Classification: Uncertain significance for Inborn genetic diseases. Last evaluated: 2024-05-20. Review status: criteria provided, single submitter. Criteria: Ambry Variant Classification Scheme 2023. Collection method: clinical testing. Allele origin: germline.

NM_001173990.3(TMEM216):c.337G>A (p.Val113Ile)

Gene: TMEM216 (transmembrane protein 216; plus strand). Cytogenetic location: 11q12.2.
Variant type: single nucleotide variant.
Coding change: c.337G>A on transcript NM_001173990.3 (MANE Select); coding-DNA position 337, G replaced by A.
Protein change: p.Val113Ile; replaces valine 113 with isoleucine.
Molecular consequence: missense variant.
Genome position (GRCh38, 1-based): chr11:61,397,881, G>A. VCF-style: chr11-61397881-G-A. GRCh37 (hg19) VCF-style: chr11-61165353-G-A.
Other names: c.337G>A (NM_001173990.2); c.337G>A, p.Val113Ile (NM_001173991.3); c.154G>A, p.Val52Ile (NM_001330285.2, NM_016499.6); short protein forms V113I, V52I.
Identifiers: ClinVar variation 2148941 (VCV002148941.4), dbSNP rs1296660310, ClinGen allele CA380686291.
Genomic context (GRCh38, chr11:61,397,881, plus strand): 5'-GTGGCCTTGACCTTCCCATCTGCCATGATGGCCTCCTATTACCTGCTGCTGCAGACCTAC[G>A]TACTCCGCCTGGAAGCCATCATGAATGGCATCTTGCTCTTCTTCTGTGGCTCAGAGCTTT-3'
Protein context (NP_001167461.1, residues 103-123): ASYYLLLQTY[Val113Ile]LRLEAIMNGI